The following is an entry in ClinVar:

ClinVar aggregate classification (germline): Uncertain significance (1 of 4 stars; one submission).

Submission:

Women's Health and Genetics/Laboratory Corporation of America, LabCorp
Classification: Uncertain significance. Last evaluated: 2026-03-31. Review status: criteria provided, single submitter. Criteria: LabCorp Variant Classification Summary - May 2015. Collection method: clinical testing. Allele origin: germline.
Comment: Variant summary: CACNA1H c.4493T>G (p.Phe1498Cys) results in a non-conservative amino acid change in the encoded protein sequence. Algorithms developed to predict the effect of missense changes on protein structure and function all suggest that this variant is likely to be disruptive. The variant was absent in 248322 control chromosomes. The available data on variant occurrences in the general population are insufficient to allow any conclusion about variant significance. To our knowledge, no occurrence of c.4493T>G in individuals affected with CACNA1H-related conditions and no experimental evidence demonstrating its impact on protein function have been reported. ClinVar contains an entry for this variant (Variation ID: 3907407). Based on the evidence outlined above, the variant was classified as uncertain significance.

NM_021098.3(CACNA1H):c.4493T>G (p.Phe1498Cys)

Gene: CACNA1H (calcium voltage-gated channel subunit alpha1 H; plus strand). Cytogenetic location: 16p13.3.
Variant type: single nucleotide variant.
Coding change: c.4493T>G on transcript NM_021098.3 (MANE Select); coding-DNA position 4493, T replaced by G.
Protein change: p.Phe1498Cys; replaces phenylalanine 1498 with cysteine.
Molecular consequence: missense variant.
Genome position (GRCh38, 1-based): chr16:1,211,732, T>G. VCF-style: chr16-1211732-T-G. GRCh37 (hg19) VCF-style: chr16-1261732-T-G.
Other names: c.4493T>G, p.Phe1498Cys (NM_001005407.2); short protein forms F1498C.
Identifiers: ClinVar variation 3907407 (VCV003907407.2).